The following is an entry in ClinVar:

ClinVar aggregate classification (germline): Uncertain significance (1 of 4 stars; one submission).

Conditions:
Hereditary nonpolyposis colorectal neoplasms. Identifiers: MedGen C0009405, MeSH D003123.

Submission:

Labcorp Genetics (formerly Invitae), Labcorp
Classification: Uncertain significance for Hereditary nonpolyposis colorectal neoplasms. Last evaluated: 2025-03-02. Review status: criteria provided, single submitter. Criteria: Invitae Variant Classification Sherloc (09022015). Collection method: clinical testing. Allele origin: germline.
Comment: This sequence change replaces valine, which is neutral and non-polar, with alanine, which is neutral and non-polar, at codon 1350 of the MSH6 protein (p.Val1350Ala). This variant is not present in population databases (gnomAD no frequency). This variant has not been reported in the literature in individuals affected with MSH6-related conditions. Invitae Evidence Modeling of protein sequence and biophysical properties (such as structural, functional, and spatial information, amino acid conservation, physicochemical variation, residue mobility, and thermodynamic stability) indicates that this missense variant is not expected to disrupt MSH6 protein function with a negative predictive value of 95%. In summary, the available evidence is currently insufficient to determine the role of this variant in disease. Therefore, it has been classified as a Variant of Uncertain Significance.

NM_000179.3(MSH6):c.4049T>C (p.Val1350Ala)

Gene: MSH6 (mutS homolog 6; plus strand). Cytogenetic location: 2p16.3.
Variant type: single nucleotide variant.
Coding change: c.4049T>C on transcript NM_000179.3 (MANE Select); coding-DNA position 4049, T replaced by C.
Protein change: p.Val1350Ala; replaces valine 1350 with alanine.
Molecular consequence: missense variant. On other transcripts: 3 prime UTR variant (5), non-coding transcript variant (5).
Genome position (GRCh38, 1-based): chr2:47,806,826, T>C. VCF-style: chr2-47806826-T-C. GRCh37 (hg19) VCF-style: chr2-48033965-T-C.
Other names: c.3659T>C, p.Val1220Ala (NM_001281492.2); c.3143T>C, p.Val1048Ala (NM_001281493.2, NM_001281494.2, NM_001406811.1 and 6 more transcripts); c.4145T>C, p.Val1382Ala (NM_001406795.1); c.4049T>C, p.Val1350Ala (NM_001406796.1, NM_001406809.1); c.3752T>C, p.Val1251Ala (NM_001406797.1, NM_001406805.1, NM_001406818.1 and 8 more transcripts); c.3875T>C, p.Val1292Ala (NM_001406798.1); c.3524T>C, p.Val1175Ala (NM_001406799.1, NM_001406806.1, NM_001406807.1); c.*70T>C (NM_001406800.1); and 9 more; short protein forms V1048A, V1062A, V1175A, V1220A, V1251A, V1292A, V1294A, V1324A.
Identifiers: ClinVar variation 4800240 (VCV004800240.1).
Genomic context (GRCh38, chr2:47,806,826, plus strand): 5'-TTTTAATTTTAAGGGAAGTTTGCCTGGCTAGTGAAAGGTCAACTGTAGATGCTGAAGCTG[T>C]CCATAAATTGCTGACTTTGATTAAGGAATTATAGACTGACTACATTGGAAGCTTTGAGTT-3'
Protein context (NP_000170.1, residues 1340-1360): SERSTVDAEA[Val1350Ala]HKLLTLIKEL